The following is an entry in ClinVar:

ClinVar aggregate classification (germline): Uncertain significance (1 of 4 stars; one submission).

gnomAD v4.1: 3 of 1,613,674 alleles (0.00019%); highest among the groups gnomAD compares: African/African-American, 0.004%; no homozygotes.

Submission:

Labcorp Genetics (formerly Invitae), Labcorp
Classification: Uncertain significance. Last evaluated: 2024-12-18. Review status: criteria provided, single submitter. Criteria: Invitae Variant Classification Sherloc (09022015). Collection method: clinical testing. Allele origin: germline.
Comment: This sequence change replaces histidine, which is basic and polar, with glutamine, which is neutral and polar, at codon 190 of the FLI1 protein (p.His190Gln). This variant is present in population databases (no rsID available, gnomAD 0.007%). This variant has not been reported in the literature in individuals affected with FLI1-related conditions. Invitae Evidence Modeling of protein sequence and biophysical properties (such as structural, functional, and spatial information, amino acid conservation, physicochemical variation, residue mobility, and thermodynamic stability) indicates that this missense variant is not expected to disrupt FLI1 protein function with a negative predictive value of 80%. In summary, the available evidence is currently insufficient to determine the role of this variant in disease. Therefore, it has been classified as a Variant of Uncertain Significance.

NM_002017.5(FLI1):c.570C>G (p.His190Gln)

Gene: FLI1 (Fli-1 proto-oncogene, ETS transcription factor; plus strand). Cytogenetic location: 11q24.3.
Variant type: single nucleotide variant.
Coding change: c.570C>G on transcript NM_002017.5 (MANE Select); coding-DNA position 570, C replaced by G.
Protein change: p.His190Gln; replaces histidine 190 with glutamine.
Molecular consequence: missense variant. On other transcripts: intron variant (1).
Genome position (GRCh38, 1-based): chr11:128,772,966, C>G. VCF-style: chr11-128772966-C-G. GRCh37 (hg19) VCF-style: chr11-128642861-C-G.
Other names: c.471C>G, p.His157Gln (NM_001167681.3); c.372C>G, p.His124Gln (NM_001271010.2); c.11-8992C>G (NM_001271012.2); short protein forms H157Q, H124Q, H190Q.
Identifiers: ClinVar variation 3693573 (VCV003693573.2).